The following is an entry in ClinVar:

NM_000081.4(LYST):c.7870C>T (p.Arg2624Trp)

Gene: LYST (lysosomal trafficking regulator; minus strand). Cytogenetic location: 1q42.3.
Variant type: single nucleotide variant.
Coding change: c.7870C>T on transcript NM_000081.4 (MANE Select); coding-DNA position 7870, C replaced by T.
Protein change: p.Arg2624Trp; replaces arginine 2624 with tryptophan.
Molecular consequence: missense variant.
Genome position (GRCh38, 1-based): chr1:235,746,438, G>A on the plus strand (C>T on the coding strand, the complement: LYST is on the minus strand). VCF-style: chr1-235746438-G-A. GRCh37 (hg19) VCF-style: chr1-235909738-G-A.
Other names: p.Arg2624Trp; c.7870C>T, p.Arg2624Trp (NM_001301365.1); short protein forms R2624W.
Identifiers: ClinVar variation 454488 (VCV000454488.64), dbSNP rs150306354, ClinGen allele CA1466004.

ClinVar aggregate classification (germline): Conflicting classifications of pathogenicity. Review status: criteria provided, conflicting classifications (1 of 4 stars). 9 submissions from 9 submitters: Uncertain significance (1); Benign (1); Likely benign (6). 1 of the submissions does not count toward it. Last evaluated 2026-07-01.

Conditions:
LYST-related disorder. Also called: LYST-related condition.
Autoinflammatory syndrome. Identifiers: Orphanet 93665, MedGen C3890737, MONDO:0019751.
Chédiak-Higashi syndrome (CHS). Also called: Chediak-Higashi Syndrome. Identifiers: Orphanet 167, MedGen C0007965, MONDO:0008963, OMIM 214500.

Allele frequency attached by ClinVar (database versions not stated): 1000 Genomes Project 0.00040; 1000 Genomes Project 30x 0.00062; TOPMed 0.00209; ESP Exome Variant Server 0.00246; gnomAD 0.00280.
gnomAD v4.1: 5,536 of 1,613,734 alleles (0.34%); highest among the groups gnomAD compares: Non-Finnish European, 0.4%; 18 homozygotes.

Submissions (9):

CeGaT Center for Human Genetics Tuebingen
Classification: Likely benign. Last evaluated: 2026-07-01. Review status: criteria provided, single submitter. Criteria: CeGaT Center For Human Genetics Tuebingen Variant Classification Criteria Version 2. Collection method: clinical testing. Allele origin: germline. Affected: yes. Observed: 11 variant alleles.
Comment: LYST: BS1

Labcorp Genetics (formerly Invitae), Labcorp
Classification: Likely benign for Chédiak-Higashi syndrome. Last evaluated: 2026-01-29. Review status: criteria provided, single submitter. Criteria: Invitae Variant Classification Sherloc (09022015). Collection method: clinical testing. Allele origin: germline.

Blueprint Genetics
Classification: Likely benign. Last evaluated: 2024-11-19. Review status: criteria provided, single submitter. Criteria: ACMG Guidelines, 2015. Collection method: clinical testing. Allele origin: germline.

Mayo Clinic Laboratories, Mayo Clinic
Classification: Benign. Last evaluated: 2024-06-05. Review status: criteria provided, single submitter. Criteria: ACMG Guidelines, 2015. Collection method: clinical testing. Allele origin: germline. Observed: 16 variant alleles.

Genome Diagnostics Laboratory, The Hospital for Sick Children
Classification: Likely benign for Autoinflammatory syndrome. Last evaluated: 2022-04-04. Review status: criteria provided, single submitter. Criteria: ACMG Guidelines, 2015. Collection method: clinical testing. Allele origin: germline. Affected: yes.

Center for Genomics, Ann and Robert H. Lurie Children's Hospital of Chicago
Classification: Uncertain significance for Chédiak-Higashi syndrome. Last evaluated: 2021-03-30. Review status: criteria provided, single submitter. Criteria: ACMG Guidelines, 2015. Collection method: clinical testing. Allele origin: germline.
Comment: LYST NM_000081.3 exon 29 p.Arg2624Trp (c.7870C>T): This variant has been reported in the literature in 1 individual with Hemophagocytic Lymphohistiocytosis (HLH) (Mukda 2017 PMID:28353193). However, this variant is present in 0.5% (142/25120) of Finnish alleles, including 1 homozygote, in the Genome Aggregation Database. This variant is present in ClinVar (Variation ID:454488). Evolutionary conservation and computational predictive tools suggest that this variant may impact the protein. In summary, data on this variant is insufficient for disease classification. Therefore, the clinical significance of this variant is uncertain.

Genetic Services Laboratory, University of Chicago
Classification: Likely benign. Last evaluated: 2018-02-27. Review status: criteria provided, single submitter. Criteria: ACMG Guidelines, 2015. Collection method: clinical testing. Allele origin: germline. Affected: no.

GeneDx
Classification: Likely benign. Last evaluated: 2018-01-03. Review status: criteria provided, single submitter. Criteria: GeneDx Variant Classification (06012015). Collection method: clinical testing. Allele origin: germline. Affected: yes.
Comment: This variant is considered likely benign or benign based on one or more of the following criteria: it is a conservative change, it occurs at a poorly conserved position in the protein, it is predicted to be benign by multiple in silico algorithms, and/or has population frequency not consistent with disease.

PreventionGenetics, part of Exact Sciences
Classification: Likely benign for LYST-related condition. Last evaluated: 2019-07-03. Review status: no assertion criteria provided. Collection method: clinical testing. Allele origin: germline. Not counted in ClinVar's aggregate classification.
Comment: This variant is classified as likely benign based on ACMG/AMP sequence variant interpretation guidelines (Richards et al. 2015 PMID: 25741868, with internal and published modifications).

Literature cited by the submitters: PubMed 28353193 (cited by Mayo Clinic Laboratories, Mayo Clinic); PubMed 34573280 (cited by Mayo Clinic Laboratories, Mayo Clinic).